The following is an entry in ClinVar:

NM_001972.4(ELANE):c.261T>A (p.His87Gln)

Gene: ELANE (elastase, neutrophil expressed; plus strand). Cytogenetic location: 19p13.3.
Variant type: single nucleotide variant.
Coding change: c.261T>A on transcript NM_001972.4 (MANE Select); coding-DNA position 261, T replaced by A.
Protein change: p.His87Gln; replaces histidine 87 with glutamine.
Molecular consequence: missense variant.
Genome position (GRCh38, 1-based): chr19:853,298, T>A. VCF-style: chr19-853298-T-A. GRCh37 (hg19) VCF-style: chr19-853298-T-A.
Other names: short protein forms H87Q.
Identifiers: ClinVar variation 3844320 (VCV003844320.1).

ClinVar aggregate classification (germline): Uncertain significance (1 of 4 stars; one submission).

Conditions:
Inborn genetic diseases. Identifiers: MedGen C0950123, MeSH D030342.

Submission:

Ambry Genetics
Classification: Uncertain significance for Inborn genetic diseases. Last evaluated: 2025-02-13. Review status: criteria provided, single submitter. Criteria: Ambry Variant Classification Scheme 2023. Collection method: clinical testing. Allele origin: germline.
Comment: The p.H87Q variant (also known as c.261T>A), located in coding exon 3 of the ELANE gene, results from a T to A substitution at nucleotide position 261. The histidine at codon 87 is replaced by glutamine, an amino acid with highly similar properties. This amino acid position is conserved. In addition, the in silico prediction for this alteration is inconclusive. Based on the available evidence, the clinical significance of this variant remains unclear.